The following is an entry in ClinVar:

NM_000257.4(MYH7):c.3464G>A (p.Gly1155Glu)

Gene: MYH7 (myosin heavy chain 7; minus strand). Cytogenetic location: 14q11.2.
Variant type: single nucleotide variant.
Coding change: c.3464G>A on transcript NM_000257.4 (MANE Select); coding-DNA position 3464, G replaced by A.
Protein change: p.Gly1155Glu; replaces glycine 1155 with glutamic acid.
Molecular consequence: missense variant.
Genome position (GRCh38, 1-based): chr14:23,420,107, C>T on the plus strand (G>A on the coding strand, the complement: MYH7 is on the minus strand). VCF-style: chr14-23420107-C-T. GRCh37 (hg19) VCF-style: chr14-23889316-C-T.
Other names: short protein forms G1155E.
Identifiers: ClinVar variation 42964 (VCV000042964.19), dbSNP rs397516186, ClinGen allele CA013748.

ClinVar aggregate classification (germline): Uncertain significance. Review status: criteria provided, multiple submitters, no conflicts (2 of 4 stars). 8 submissions from 8 submitters: Uncertain significance (8). Last evaluated 2026-01-27.

Conditions:
Cardiovascular phenotype. Identifiers: MedGen CN230736.
Cardiomyopathy (CMYO). Also called: Cardiomyopathies. Identifiers: Orphanet 167848, MedGen C0878544, MONDO:0004994, HP:0001638. Inheritance: Various modes of inheritance.
Hypertrophic cardiomyopathy. Also called: HYPERTROPHIC MYOCARDIOPATHY. Identifiers: Orphanet 217569, MedGen C0007194, MeSH D002312, MONDO:0005045, HP:0001639.

Allele frequency attached by ClinVar (database versions not stated): TOPMed 0.00001; gnomAD exomes below 0.00001 and 0.00001; gnomAD 0.00001.
gnomAD v4.1: 15 of 1,604,260 alleles (0.00094%); highest among the groups gnomAD compares: Non-Finnish European, 0.0012%; no homozygotes.

Submissions (8):

Labcorp Genetics (formerly Invitae), Labcorp
Classification: Uncertain significance for Hypertrophic cardiomyopathy. Last evaluated: 2026-01-27. Review status: criteria provided, single submitter. Criteria: Invitae Variant Classification Sherloc (09022015). Collection method: clinical testing. Allele origin: germline.
Comment: This sequence change replaces glycine, which is neutral and non-polar, with glutamic acid, which is acidic and polar, at codon 1155 of the MYH7 protein (p.Gly1155Glu). This variant is present in population databases (rs397516186, gnomAD 0.001%). This missense change has been observed in individual(s) with clinical features of dilated cardiomyopathy (PMID: 27532257, 32746448, 37652022). ClinVar contains an entry for this variant (Variation ID: 42964). Invitae Evidence Modeling of protein sequence and biophysical properties (such as structural, functional, and spatial information, amino acid conservation, physicochemical variation, residue mobility, and thermodynamic stability) indicates that this missense variant is expected to disrupt MYH7 protein function with a positive predictive value of 95%. In summary, the available evidence is currently insufficient to determine the role of this variant in disease. Therefore, it has been classified as a Variant of Uncertain Significance.

Ambry Genetics
Classification: Uncertain significance for Cardiovascular phenotype. Last evaluated: 2025-04-03. Review status: criteria provided, single submitter. Criteria: Ambry Variant Classification Scheme 2023. Collection method: clinical testing. Allele origin: germline.
Comment: The p.G1155E variant (also known as c.3464G>A), located in coding exon 25 of the MYH7 gene, results from a G to A substitution at nucleotide position 3464. The glycine at codon 1155 is replaced by glutamic acid, an amino acid with similar properties. This variant was reported in individual(s) with features consistent with dilated cardiomyopathy (Walsh R et al. Genet. Med., 2017 02;19:192-203; Mazzarotto F et al. Circulation. 2020 Feb;141(5):387-398; Burstein DS et al. Pediatr Res, 2021 May;89:1470-1476). This amino acid position is highly conserved in available vertebrate species. In addition, this alteration is predicted to be deleterious by in silico analysis. Based on the available evidence, the clinical significance of this variant remains unclear.

GeneDx
Classification: Uncertain significance. Last evaluated: 2024-07-29. Review status: criteria provided, single submitter. Criteria: GeneDx Variant Classification Process June 2021. Collection method: clinical testing. Allele origin: germline. Affected: yes.
Comment: Reported in patients with suspected cardiomyopathy in published literature; however, detailed clinical information was not provided (PMID: 27532257, 32746448, 37652022); Not observed at significant frequency in large population cohorts (gnomAD); In silico analysis supports that this missense variant has a deleterious effect on protein structure/function; This variant is associated with the following publications: (PMID: 27532257, 34542152, 32746448, 37652022)

All of Us Research Program, National Institutes of Health
Classification: Uncertain significance for Cardiomyopathy. Last evaluated: 2024-06-09. Review status: criteria provided, single submitter. Criteria: ACMG Guidelines, 2015. Collection method: clinical testing. Allele origin: germline. Inheritance: Autosomal dominant inheritance. Observed: 4 variant alleles, 4 heterozygotes.
Comment: This missense variant replaces glycine with glutamic acid at codon 1155 of the MYH7 protein. Computational prediction suggests that this variant may have deleterious impact on protein structure and function (internally defined REVEL score threshold >= 0.7, PMID: 27666373). To our knowledge, functional studies have not been reported for this variant. This variant has been reported in individuals affected with dilated cardiomyopathy (PMID: 27532257, 32746448). This variant has been identified in 1/234610 chromosomes in the general population by the Genome Aggregation Database (gnomAD). The available evidence is insufficient to determine the role of this variant in disease conclusively. Therefore, this variant is classified as a Variant of Uncertain Significance.

This study involves interpretation of variants in research participants for the purpose of population health screening. Participant phenotype was not available at the time of variant classification. Additional details can be found in publication PMID: 35346344, PMCID: PMC8962531

Color Diagnostics, LLC DBA Color Health
Classification: Uncertain significance for Cardiomyopathy. Last evaluated: 2024-05-16. Review status: criteria provided, single submitter. Criteria: ACMG Guidelines, 2015. Collection method: clinical testing. Allele origin: germline.
Comment: This missense variant replaces glycine with glutamic acid at codon 1155 of the MYH7 protein. Computational prediction suggests that this variant may have deleterious impact on protein structure and function. To our knowledge, functional studies have not been reported for this variant. This variant has been reported in individuals affected with dilated cardiomyopathy (PMID: 27532257, 32746448). This variant has been identified in 1/234610 chromosomes in the general population by the Genome Aggregation Database (gnomAD). The available evidence is insufficient to determine the role of this variant in disease conclusively. Therefore, this variant is classified as a Variant of Uncertain Significance.

Revvity Omics, Revvity
Classification: Uncertain significance. Last evaluated: 2023-03-03. Review status: criteria provided, single submitter. Criteria: ACMG Guidelines, 2015. Collection method: clinical testing. Allele origin: germline.

AiLife Diagnostics
Classification: Uncertain significance. Last evaluated: 2021-10-21. Review status: criteria provided, single submitter. Criteria: ACMG Guidelines, 2015. Collection method: clinical testing. Allele origin: germline. Affected: yes. Observed: 1 variant allele.

Laboratory for Molecular Medicine, Mass General Brigham Personalized Medicine
Classification: Uncertain significance. Last evaluated: 2014-04-04. Review status: criteria provided, single submitter. Criteria: LMM Criteria. Collection method: clinical testing. Allele origin: germline. Observed: 1 variant allele.
Comment: proposed classification - variant undergoing re-assessment, contact laboratory

Literature cited by the submitters: PubMed 27532257 (cited by 5 submitters); PubMed 32746448 (cited by 5 submitters); PubMed 37652022 (cited by Labcorp Genetics (formerly Invitae), Labcorp); PubMed 27247418 (cited by Ambry Genetics); PubMed 31983221 (cited by Ambry Genetics).